The following is an entry in ClinVar:

ClinVar aggregate classification (germline): Uncertain significance (1 of 4 stars; one submission).

Conditions:
Myasthenic syndrome, congenital, 22 (CMS22). Also called: PREPL DEFICIENCY. Identifiers: MedGen C4479088, MONDO:0044299, OMIM 616224.

Allele frequency attached by ClinVar (database versions not stated): gnomAD exomes below 0.00001.
gnomAD v4.1: 1 of 1,613,326 alleles (0.000062%); highest among the groups gnomAD compares: Non-Finnish European, 0.000085%; no homozygotes.

Submission:

Labcorp Genetics (formerly Invitae), Labcorp
Classification: Uncertain significance for Myasthenic syndrome, congenital, 22. Last evaluated: 2021-12-13. Review status: criteria provided, single submitter. Criteria: Invitae Variant Classification Sherloc (09022015). Collection method: clinical testing. Allele origin: germline.
Comment: This sequence change replaces threonine, which is neutral and polar, with serine, which is neutral and polar, at codon 234 of the PREPL protein (p.Thr234Ser). This variant is not present in population databases (gnomAD no frequency). This variant has not been reported in the literature in individuals affected with PREPL-related conditions. Algorithms developed to predict the effect of missense changes on protein structure and function output the following: SIFT: "Tolerated"; PolyPhen-2: "Benign"; Align-GVGD: "Class C0". The serine amino acid residue is found in multiple mammalian species, which suggests that this missense change does not adversely affect protein function. In summary, the available evidence is currently insufficient to determine the role of this variant in disease. Therefore, it has been classified as a Variant of Uncertain Significance.

NM_001171613.2(PREPL):c.434C>G (p.Thr145Ser)

Gene: PREPL (prolyl endopeptidase like; minus strand). Cytogenetic location: 2p21.
Variant type: single nucleotide variant.
Coding change: c.434C>G on transcript NM_001171613.2 (MANE Select); coding-DNA position 434, C replaced by G.
Protein change: p.Thr145Ser; replaces threonine 145 with serine.
Molecular consequence: missense variant.
Genome position (GRCh38, 1-based): chr2:44,342,468, G>C on the plus strand (C>G on the coding strand, the complement: PREPL is on the minus strand). VCF-style: chr2-44342468-G-C. GRCh37 (hg19) VCF-style: chr2-44569607-G-C.
Other names: c.701C>G, p.Thr234Ser (NM_001042385.2, NM_001042386.2, NM_001171603.1 and 4 more transcripts); c.434C>G, p.Thr145Ser (NM_001171617.1, NM_001374277.1); short protein forms T145S, T234S.
Identifiers: ClinVar variation 2042263 (VCV002042263.4), dbSNP rs1032958436, ClinGen allele CA346692822.